The following is an entry in ClinVar:

ClinVar aggregate classification (germline): Uncertain significance (1 of 4 stars; one submission).

Conditions:
Aortic valve disease 2 (AOVD2). Identifiers: MedGen C3542024, MONDO:0013902, OMIM 614823.

Allele frequency attached by ClinVar (database versions not stated): gnomAD exomes below 0.00001.

Submission:

Labcorp Genetics (formerly Invitae), Labcorp
Classification: Uncertain significance for Aortic valve disease 2. Last evaluated: 2023-07-07. Review status: criteria provided, single submitter. Criteria: Invitae Variant Classification Sherloc (09022015). Collection method: clinical testing. Allele origin: germline.
Comment: In summary, the available evidence is currently insufficient to determine the role of this variant in disease. Therefore, it has been classified as a Variant of Uncertain Significance. This sequence change replaces glycine, which is neutral and non-polar, with serine, which is neutral and polar, at codon 369 of the SMAD6 protein (p.Gly369Ser). This variant is present in population databases (no rsID available, gnomAD 0.0009%). This variant has not been reported in the literature in individuals affected with SMAD6-related conditions. Advanced modeling of protein sequence and biophysical properties (such as structural, functional, and spatial information, amino acid conservation, physicochemical variation, residue mobility, and thermodynamic stability) performed at Invitae indicates that this missense variant is not expected to disrupt SMAD6 protein function.

NM_005585.5(SMAD6):c.1105G>A (p.Gly369Ser)

Gene: SMAD6 (SMAD family member 6; plus strand). Cytogenetic location: 15q22.31.
Variant type: single nucleotide variant.
Coding change: c.1105G>A on transcript NM_005585.5 (MANE Select); coding-DNA position 1105, G replaced by A.
Protein change: p.Gly369Ser; replaces glycine 369 with serine.
Molecular consequence: missense variant. On other transcripts: non-coding transcript variant (1).
Genome position (GRCh38, 1-based): chr15:66,781,149, G>A. VCF-style: chr15-66781149-G-A. GRCh37 (hg19) VCF-style: chr15-67073487-G-A.
Other names: short protein forms G369S.
Identifiers: ClinVar variation 1399143 (VCV001399143.6), dbSNP rs1294873185, ClinGen allele CA393201870.